The following is an entry in ClinVar:

ClinVar aggregate classification (germline): Benign. Review status: criteria provided, single submitter (1 of 4 stars). 2 submissions from 1 submitter: Benign (2). Last evaluated 2017-04-27.

Conditions:
Hypophosphatemic rickets, autosomal recessive, 2 (ARHR2). Identifiers: Orphanet 289176, MedGen C2750078, MONDO:0013219, OMIM 613312.
Arterial calcification, generalized, of infancy, 1 (GACI1). Also called: Idiopathic Infantile Arterial Calcification. Identifiers: Orphanet 51608, MedGen C4551985, MONDO:0008817, OMIM 208000.

Allele frequency attached by ClinVar (database versions not stated): gnomAD 0.00201 and 0.00216; TOPMed 0.00212; 1000 Genomes Project 30x 0.00406; 1000 Genomes Project 0.00459.

Submissions (2):

Illumina Laboratory Services, Illumina
Classification: Benign for Hypophosphatemic rickets, autosomal recessive, 2. Last evaluated: 2017-04-27. Review status: criteria provided, single submitter. Criteria: ICSL Variant Classification Criteria 13 December 2019. Collection method: clinical testing. Allele origin: germline.
Comment: This variant was observed as part of a predisposition screen in an ostensibly healthy population. A literature search was performed for the gene, cDNA change, and amino acid change (where applicable). No publications were found based on this search. Allele frequency data from public databases was too high to be consistent with this variant causing disease. Therefore, this variant is classified as benign.

Illumina Laboratory Services, Illumina
Classification: Benign for Arterial calcification, generalized, of infancy, 1. Last evaluated: 2017-04-27. Review status: criteria provided, single submitter. Criteria: ICSL Variant Classification Criteria 13 December 2019. Collection method: clinical testing. Allele origin: germline.
Comment: the same text as in the submission from Illumina Laboratory Services, Illumina above.

NM_006208.3(ENPP1):c.*3879A>G

Gene: ENPP1 (ectonucleotide pyrophosphatase/phosphodiesterase 1; plus strand). Cytogenetic location: 6q23.2.
Variant type: single nucleotide variant.
Coding change: c.*3879A>G on transcript NM_006208.3 (MANE Select); 3879 bases downstream of the stop codon, A replaced by G.
Molecular consequence: 3 prime UTR variant.
Genome position (GRCh38, 1-based): chr6:131,894,390, A>G. VCF-style: chr6-131894390-A-G. GRCh37 (hg19) VCF-style: chr6-132215530-A-G.
Identifiers: ClinVar variation 907820 (VCV000907820.4), dbSNP rs144511581, ClinGen allele CA147912009.